The following is an entry in ClinVar:

ClinVar aggregate classification (germline): Benign (1 of 4 stars; one submission).

Conditions:
Joubert syndrome 14 (JBTS14). Identifiers: MedGen C3280766, MONDO:0013745, OMIM 614424.

Allele frequency attached by ClinVar (database versions not stated): gnomAD 0.00796 and 0.00855; 1000 Genomes Project 0.00839; TOPMed 0.00872; 1000 Genomes Project 30x 0.00874.

Submission:

Illumina Laboratory Services, Illumina
Classification: Benign for Joubert syndrome 14. Last evaluated: 2017-04-27. Review status: criteria provided, single submitter. Criteria: ICSL Variant Classification Criteria 13 December 2019. Collection method: clinical testing. Allele origin: germline.
Comment: This variant was observed as part of a predisposition screen in an ostensibly healthy population. A literature search was performed for the gene, cDNA change, and amino acid change (where applicable). No publications were found based on this search. Allele frequency data from public databases was too high to be consistent with this variant causing disease. Therefore, this variant is classified as benign.

NM_001044385.3(TMEM237):c.*1489G>C

Gene: TMEM237 (transmembrane protein 237; minus strand). Cytogenetic location: 2q33.1.
Variant type: single nucleotide variant.
Coding change: c.*1489G>C on transcript NM_001044385.3 (MANE Select); 1489 bases downstream of the stop codon, G replaced by C.
Molecular consequence: 3 prime UTR variant.
Genome position (GRCh38, 1-based): chr2:201,622,766, C>G on the plus strand (G>C on the coding strand, the complement: TMEM237 is on the minus strand). VCF-style: chr2-201622766-C-G. GRCh37 (hg19) VCF-style: chr2-202487489-C-G.
Other names: c.*1489G>C (NM_152388.4).
Identifiers: ClinVar variation 895902 (VCV000895902.4), dbSNP rs78220061, ClinGen allele CA63949100.
Genomic context (GRCh38, chr2:201,622,766, plus strand): 5'-CATAACCTTAATCATATCTGCAAATCCCTTTGGCCAAGTAAAGTAGTATATTCACAAGTT[C>G]CAGGGATTAGGACATGGACATCTTTAGGAGACATTATGCAGCCTACCACAATCCCCCACA-3'